The following is an entry in ClinVar:

ClinVar aggregate classification (germline): Uncertain significance. Review status: criteria provided, multiple submitters, no conflicts (2 of 4 stars). 7 submissions from 7 submitters: Uncertain significance (6). 1 of the submissions does not count toward it. Last evaluated 2024-11-26.

Conditions:
Hereditary cancer-predisposing syndrome. Also called: Hereditary neoplastic syndrome; Tumor predisposition; Hereditary Cancer Syndrome; Neoplastic Syndromes, Hereditary. Identifiers: Orphanet 140162, MedGen C0027672, MeSH D009386, MONDO:0015356.
Fanconi anemia (FA). Also called: Fanconi's anemia. Identifiers: Orphanet 84, MedGen C0015625, MeSH D005199, MONDO:0019391.
Fanconi anemia complementation group C (FANCC). Also called: FANCC-Related Fanconi Anemia; Fanconi anemia, group C; FANCONI PANCYTOPENIA, TYPE 3; FACC. Identifiers: Orphanet 84, MedGen C3468041, MONDO:0009213, OMIM 227645.

Allele frequency attached by ClinVar (database versions not stated): ExAC 0.00001; gnomAD exomes 0.00001 and 0.00002; gnomAD 0.00006 and 0.00007; TOPMed 0.00006; ESP Exome Variant Server 0.00015.
gnomAD v4.1: 16 of 1,610,392 alleles (0.00099%); highest among the groups gnomAD compares: African/African-American, 0.017%; no homozygotes.

Submissions (7):

Ambry Genetics
Classification: Uncertain significance for Hereditary cancer-predisposing syndrome. Last evaluated: 2024-11-26. Review status: criteria provided, single submitter. Criteria: Ambry Variant Classification Scheme 2023. Collection method: clinical testing. Allele origin: germline.
Comment: The p.Y83C variant (also known as c.248A>G), located in coding exon 2 of the FANCC gene, results from an A to G substitution at nucleotide position 248. The tyrosine at codon 83 is replaced by cysteine, an amino acid with highly dissimilar properties. This amino acid position is well conserved in available vertebrate species. In addition, the in silico prediction for this alteration is inconclusive. Based on the available evidence, the clinical significance of this variant remains unclear.

GeneDx
Classification: Uncertain significance. Last evaluated: 2024-09-11. Review status: criteria provided, single submitter. Criteria: GeneDx Variant Classification Process June 2021. Collection method: clinical testing. Allele origin: germline. Affected: yes.
Comment: In silico analysis supports that this missense variant has a deleterious effect on protein structure/function; Has not been previously published as pathogenic or benign to our knowledge; This variant is associated with the following publications: (PMID: Gordon2000[Book])

Quest Diagnostics Nichols Institute San Juan Capistrano
Classification: Uncertain significance. Last evaluated: 2024-02-02. Review status: criteria provided, single submitter. Criteria: Quest Diagnostics criteria. Collection method: clinical testing. Allele origin: unknown.
Comment: The FANCC c.248A>G (p.Tyr83Cys) variant has not been reported in individuals with FANCC-related conditions in the published literature. The frequency of this variant in the general population, 0.00024 (6/24950 chromosomes (Genome Aggregation Database)), is uninformative in the assessment of its pathogenicity. Analysis of this variant using bioinformatics tools for the prediction of the effect of amino acid changes on protein structure and function yielded conflicting predictions that this variant is benign or damaging. Based on the available information, we are unable to determine the clinical significance of this variant.

Fulgent Genetics
Classification: Uncertain significance for Fanconi anemia complementation group C. Last evaluated: 2022-04-30. Review status: criteria provided, single submitter. Criteria: ACMG Guidelines, 2015. Collection method: clinical testing. Allele origin: unknown.

Women's Health and Genetics/Laboratory Corporation of America, LabCorp
Classification: Uncertain significance. Last evaluated: 2022-01-15. Review status: criteria provided, single submitter. Criteria: LabCorp Variant Classification Summary - May 2015. Collection method: clinical testing. Allele origin: germline.

Labcorp Genetics (formerly Invitae), Labcorp
Classification: Uncertain significance for Fanconi anemia. Last evaluated: 2021-08-30. Review status: criteria provided, single submitter. Criteria: Invitae Variant Classification Sherloc (09022015). Collection method: clinical testing. Allele origin: germline.
Comment: This sequence change replaces tyrosine with cysteine at codon 83 of the FANCC protein (p.Tyr83Cys). The tyrosine residue is moderately conserved and there is a large physicochemical difference between tyrosine and cysteine. This variant is present in population databases (rs140992397, ExAC 0.01%). This variant has not been reported in the literature in individuals affected with FANCC-related conditions. ClinVar contains an entry for this variant (Variation ID: 220742). Algorithms developed to predict the effect of missense changes on protein structure and function are either unavailable or do not agree on the potential impact of this missense change (SIFT: "Tolerated"; PolyPhen-2: "Possibly Damaging"; Align-GVGD: "Class C0"). In summary, the available evidence is currently insufficient to determine the role of this variant in disease. Therefore, it has been classified as a Variant of Uncertain Significance.

Natera, Inc.
Classification: Uncertain significance for Fanconi anemia. Last evaluated: 2018-06-06. Review status: no assertion criteria provided. Collection method: clinical testing. Allele origin: germline. Not counted in ClinVar's aggregate classification.

NM_000136.3(FANCC):c.248A>G (p.Tyr83Cys)

Gene: FANCC (FA complementation group C; minus strand). Cytogenetic location: 9q22.32.
Variant type: single nucleotide variant.
Coding change: c.248A>G on transcript NM_000136.3 (MANE Select); coding-DNA position 248, A replaced by G.
Protein change: p.Tyr83Cys; replaces tyrosine 83 with cysteine.
Molecular consequence: missense variant.
Genome position (GRCh38, 1-based): chr9:95,247,434, T>C on the plus strand (A>G on the coding strand, the complement: FANCC is on the minus strand). VCF-style: chr9-95247434-T-C. GRCh37 (hg19) VCF-style: chr9-98009716-T-C.
Other names: c.248A>G, p.Tyr83Cys (NM_001243743.2, NM_001243744.2); short protein forms Y83C.
Identifiers: ClinVar variation 220742 (VCV000220742.18), dbSNP rs140992397, ClinGen allele CA350717.